The following is an entry in ClinVar:

ClinVar aggregate classification (germline): Uncertain significance (1 of 4 stars; one submission).

Conditions:
Perlman syndrome (PRLMNS). Identifiers: Orphanet 2849, MedGen C0796113, MONDO:0009965, OMIM 267000.

Submission:

Labcorp Genetics (formerly Invitae), Labcorp
Classification: Uncertain significance for Perlman syndrome. Last evaluated: 2020-11-05. Review status: criteria provided, single submitter. Criteria: Invitae Variant Classification Sherloc (09022015). Collection method: clinical testing. Allele origin: germline.
Comment: In summary, the available evidence is currently insufficient to determine the role of this variant in disease. Therefore, it has been classified as a Variant of Uncertain Significance. Algorithms developed to predict the effect of missense changes on protein structure and function (SIFT, PolyPhen-2, Align-GVGD) all suggest that this variant is likely to be tolerated, but these predictions have not been confirmed by published functional studies and their clinical significance is uncertain. This variant has not been reported in the literature in individuals with DIS3L2-related conditions. This variant is not present in population databases (ExAC no frequency). This sequence change replaces alanine with serine at codon 639 of the DIS3L2 protein (p.Ala639Ser). The alanine residue is moderately conserved and there is a moderate physicochemical difference between alanine and serine.

NM_152383.5(DIS3L2):c.1915G>T (p.Ala639Ser)

Gene: DIS3L2 (DIS3 like 3'-5' exoribonuclease 2; plus strand). Cytogenetic location: 2q37.1.
Variant type: single nucleotide variant.
Coding change: c.1915G>T on transcript NM_152383.5 (MANE Select); coding-DNA position 1915, G replaced by T.
Protein change: p.Ala639Ser; replaces alanine 639 with serine.
Molecular consequence: missense variant. On other transcripts: non-coding transcript variant (2), intron variant (1).
Genome position (GRCh38, 1-based): chr2:232,329,988, G>T. VCF-style: chr2-232329988-G-T. GRCh37 (hg19) VCF-style: chr2-233194698-G-T.
Other names: c.1582-13357G>T (NM_001257281.2); short protein forms A639S.
Identifiers: ClinVar variation 1494909 (VCV001494909.8), dbSNP rs762363254, ClinGen allele CA66925922.